The following is an entry in ClinVar:

NC_000007.13:g.(?_50358658)_(50611783_?)dup

Genes: DDC (dopa decarboxylase; minus strand), FIGNL1 (fidgetin like 1; minus strand), IKZF1 (IKAROS family zinc finger 1; plus strand). Cytogenetic location: 7p12.2-12.1.
Variant type: Duplication.
Identifiers: ClinVar variation 2425488 (VCV002425488.4).

ClinVar aggregate classification (germline): Uncertain significance (1 of 4 stars; one submission).

Submission:

Labcorp Genetics (formerly Invitae), Labcorp
Classification: Uncertain significance. Last evaluated: 2022-03-05. Review status: criteria provided, single submitter. Criteria: Invitae Variant Classification Sherloc (09022015). Collection method: clinical testing. Allele origin: germline.
Comment: In summary, the available evidence is currently insufficient to determine the role of this variant in disease. Therefore, it has been classified as a Variant of Uncertain Significance. This variant has not been reported in the literature in individuals affected with IKZF1-related conditions. A copy number gain of the genomic region encompassing the full coding sequence of the IKZF1 gene has been identified. The boundaries of this event are unknown as they extend beyond the assayed region for this gene and therefore may encompass additional genes. As the precise location of this event is unknown, it may be in tandem or it may be located elsewhere in the genome.